The following is an entry in ClinVar:

ClinVar aggregate classification (germline): Likely pathogenic (1 of 4 stars; one submission).

Conditions:
EYA1-related disorder. Also called: EYA1-related condition.

Submission:

3billion
Classification: Likely pathogenic for EYA1-related disorder. Last evaluated: 2025-06-16. Review status: criteria provided, single submitter. Criteria: ACMG Guidelines, 2015. Collection method: clinical testing. Allele origin: germline. Affected: yes.
Comment: The variant is not observed in the gnomAD v4.1.0 dataset. Predicted Consequence/Location: Frameshift: predicted to result in a loss or disruption of normal protein function through nonsense-mediated decay (NMD) or protein truncation. Multiple pathogenic variants are reported downstream of the variant. Therefore, this variant is classified as Likely pathogenic according to the recommendation of ACMG/AMP guideline.

NM_000503.6(EYA1):c.1541dup (p.Tyr515fs)

Gene: EYA1 (EYA transcriptional coactivator and phosphatase 1; minus strand). Cytogenetic location: 8q13.3.
Variant type: Duplication.
Coding change: c.1541dup on transcript NM_000503.6 (MANE Select); coding-DNA position 1541, one base duplicated (T; older notation c.1541dupT).
Protein change: p.Tyr515fs; shifts the reading frame from tyrosine 515.
Molecular consequence: frameshift variant.
Genome position (GRCh38, 1-based): chr8:71,215,443, A duplicated on the plus strand (T on the coding strand, the reverse complement: EYA1 is on the minus strand). VCF-style (leftmost placement, unchanged base first): chr8-71215442-C-CA. GRCh37 (hg19) VCF-style: chr8-72127677-C-CA.
Other names: c.1541dup, p.Tyr515fs (NM_172058.4, NM_001370334.1, NM_001370335.1); c.1523dup, p.Tyr509fs (NM_172059.5, NM_001288574.2); c.1442dup, p.Tyr482fs (NM_172060.4, NM_001411797.1); c.1175dup, p.Tyr393fs (NM_001288575.2); c.1628dup, p.Tyr544fs (NM_001370333.1); c.1520dup, p.Tyr508fs (NM_001370336.1); short protein forms Y393fs, Y482fs, Y508fs, Y509fs, Y515fs, Y544fs.
Identifiers: ClinVar variation 4854331 (VCV004854331.1).
Genomic context (GRCh38, chr8:71,215,442, plus strand): 5'-CTCACCTATTTTAGTTGCACTGTAAATATTTTCTATTGGAAATACAATTCCTAACCCATA[C>CA]AGCAGGACTTTCGCCAATGCTGGGATGAGCTGAGTAGTTGTTACTAAAATATTCACACAG-3'